The following is an entry in ClinVar:

ClinVar aggregate classification (germline): Likely pathogenic. Review status: criteria provided, multiple submitters, no conflicts (2 of 4 stars). 5 submissions from 5 submitters: Likely pathogenic (4). 1 of the submissions does not count toward it. Last evaluated 2024-03-27.

Conditions:
Arthrogryposis multiplex congenita 6. Identifiers: MedGen C5543431, MONDO:0030281, OMIM 619334.
Nemaline myopathy 2 (NEM2). Also called: Nemaline myopathy 2, autosomal recessive. Identifiers: MedGen C1850569, MONDO:0009725, OMIM 256030.
Nemaline myopathy. Also called: Myopathies, Nemaline. Identifiers: Orphanet 607, MedGen C0206157, MONDO:0018958.

Allele frequency attached by ClinVar (database versions not stated): gnomAD exomes below 0.00001.
gnomAD v4.1: 1 of 1,587,496 alleles (0.000063%); highest among the groups gnomAD compares: Non-Finnish European, 0.000086%; no homozygotes.

Submissions (5):

Baylor Genetics
Classification: Likely pathogenic for Arthrogryposis multiplex congenita 6. Last evaluated: 2024-03-27. Review status: criteria provided, single submitter. Criteria: ACMG Guidelines, 2015. Collection method: clinical testing. Allele origin: unknown.

Labcorp Genetics (formerly Invitae), Labcorp
Classification: Likely pathogenic for Nemaline myopathy 2. Last evaluated: 2023-06-29. Review status: criteria provided, single submitter. Criteria: Invitae Variant Classification Sherloc (09022015). Collection method: clinical testing. Allele origin: germline.
Comment: In summary, the currently available evidence indicates that the variant is pathogenic, but additional data are needed to prove that conclusively. Therefore, this variant has been classified as Likely Pathogenic. Algorithms developed to predict the effect of sequence changes on RNA splicing suggest that this variant may disrupt the consensus splice site. ClinVar contains an entry for this variant (Variation ID: 552340). This variant has not been reported in the literature in individuals affected with NEB-related conditions. This variant is not present in population databases (gnomAD no frequency). This sequence change affects a donor splice site in intron 181 of the NEB gene. It is expected to disrupt RNA splicing. Variants that disrupt the donor or acceptor splice site typically lead to a loss of protein function (PMID: 16199547), and loss-of-function variants in NEB are known to be pathogenic (PMID: 25205138).

Fulgent Genetics
Classification: Likely pathogenic for Nemaline myopathy 2; Arthrogryposis multiplex congenita 6. Last evaluated: 2022-03-19. Review status: criteria provided, single submitter. Criteria: ACMG Guidelines, 2015. Collection method: clinical testing. Allele origin: unknown.

Women's Health and Genetics/Laboratory Corporation of America, LabCorp
Classification: Likely pathogenic for Nemaline myopathy. Last evaluated: 2021-08-20. Review status: criteria provided, single submitter. Criteria: LabCorp Variant Classification Summary - May 2015. Collection method: clinical testing. Allele origin: germline.
Comment: Variant summary: NEB c.25402+1G>A is located in a canonical splice-site and is predicted to affect mRNA splicing resulting in a significantly altered protein due to either exon skipping, shortening, or inclusion of intronic material. Several computational tools predict a significant impact on normal splicing: Four predict the variant abolishes a 5` splicing donor site. However, these predictions have yet to be confirmed by functional studies. The variant was absent in 209428 control chromosomes (gnomAD). To our knowledge, no occurrence of c.25402+1G>A in individuals affected with Nemaline Myopathy 2 and no experimental evidence demonstrating its impact on protein function have been reported. One ClinVar submitter (evaluation after 2014) cites the variant as likely pathogenic. Based on the evidence outlined above, the variant was classified as likely pathogenic.

Counsyl
Classification: Likely pathogenic for Nemaline myopathy 2. Last evaluated: 2017-06-06. Review status: no assertion criteria provided. Collection method: clinical testing. Allele origin: unknown. Not counted in ClinVar's aggregate classification.

Literature cited by the submitters: PubMed 16199547 (cited by Labcorp Genetics (formerly Invitae), Labcorp); PubMed 25205138 (cited by Labcorp Genetics (formerly Invitae), Labcorp).

NM_001164508.2(NEB):c.25297+1G>A

Genes: NEB (nebulin; minus strand), RIF1 (replication timing regulatory factor 1; plus strand). Cytogenetic location: 2q23.3.
Variant type: single nucleotide variant.
Coding change: c.25297+1G>A on transcript NM_001164508.2 (MANE Select); the canonical splice donor site of the intron after coding-DNA position 25297, G replaced by A.
Molecular consequence: splice donor variant.
Genome position (GRCh38, 1-based): chr2:151,490,371, C>T on the plus strand (G>A on the coding strand, the complement: NEB is on the minus strand). VCF-style: chr2-151490371-C-T. GRCh37 (hg19) VCF-style: chr2-152346885-C-T.
Other names: c.19729+1G>A (NM_004543.5); c.25297+1G>A (NM_001164507.2); c.25402+1G>A (NM_001271208.2).
Identifiers: ClinVar variation 552340 (VCV000552340.12), dbSNP rs113525641, ClinGen allele CA348770893.